The following is an entry in ClinVar:

ClinVar aggregate classification (germline): Conflicting classifications of pathogenicity. Review status: criteria provided, conflicting classifications (1 of 4 stars). 3 submissions from 3 submitters: Uncertain significance (1); Likely benign (2). Last evaluated 2023-06-04.

Conditions:
Hereditary cancer-predisposing syndrome. Also called: Neoplastic Syndromes, Hereditary; Hereditary Cancer Syndrome; Hereditary neoplastic syndrome; Tumor predisposition. Identifiers: Orphanet 140162, MedGen C0027672, MeSH D009386, MONDO:0015356.
Hereditary breast ovarian cancer syndrome. Also called: BRCA1- and BRCA2-Associated Hereditary Breast and Ovarian Cancer; Hereditary breast and ovarian cancer syndrome; Hereditary breast and ovarian cancer; Hereditary breast and ovarian cancer syndrome (HBOC); Breast and ovarian cancer; Hereditary breast and/or ovarian cancer syndrome. Identifiers: Orphanet 145, MedGen C0677776, MeSH D061325, MONDO:0003582. Disease mechanism: loss of function.

Allele frequency attached by ClinVar (database versions not stated): gnomAD exomes below 0.00001; ExAC 0.00001.

Submissions (3):

Ambry Genetics
Classification: Likely benign for Hereditary cancer-predisposing syndrome. Last evaluated: 2023-06-04. Review status: criteria provided, single submitter. Criteria: Ambry Variant Classification Scheme 2023. Collection method: clinical testing. Allele origin: germline.

University of Washington Department of Laboratory Medicine, University of Washington
Classification: Likely benign for Hereditary cancer-predisposing syndrome. Last evaluated: 2023-03-23. Review status: criteria provided, single submitter. Criteria: Dines et al. (Genet Med. 2020). Collection method: curation. Allele origin: germline.
Comment: Missense variant in a coldspot region where missense variants are very unlikely to be pathogenic (PMID:31911673).

BRCA2 exon 11 coldspot. Reclassification based on statistical prior probability.

Labcorp Genetics (formerly Invitae), Labcorp
Classification: Uncertain significance for Hereditary breast ovarian cancer syndrome. Last evaluated: 2021-01-11. Review status: criteria provided, single submitter. Criteria: Invitae Variant Classification Sherloc (09022015). Collection method: clinical testing. Allele origin: germline.
Comment: In summary, the available evidence is currently insufficient to determine the role of this variant in disease. Therefore, it has been classified as a Variant of Uncertain Significance. Advanced modeling of protein sequence and biophysical properties (such as structural, functional, and spatial information, amino acid conservation, physicochemical variation, residue mobility, and thermodynamic stability) performed at Invitae indicates that this missense variant is not expected to disrupt BRCA2 protein function. This variant has not been reported in the literature in individuals with BRCA2-related conditions. The frequency data for this variant in the population databases is considered unreliable, as metrics indicate poor data quality at this position in the ExAC database. This sequence change replaces cysteine with phenylalanine at codon 1399 of the BRCA2 protein (p.Cys1399Phe). The cysteine residue is weakly conserved and there is a large physicochemical difference between cysteine and phenylalanine.

NM_000059.4(BRCA2):c.4196G>T (p.Cys1399Phe)

Gene: BRCA2 (BRCA2 DNA repair associated; plus strand). Cytogenetic location: 13q13.1.
Variant type: single nucleotide variant.
Coding change: c.4196G>T on transcript NM_000059.4 (MANE Select); coding-DNA position 4196, G replaced by T.
Protein change: p.Cys1399Phe; replaces cysteine 1399 with phenylalanine.
Molecular consequence: missense variant.
Genome position (GRCh38, 1-based): chr13:32,338,551, G>T. VCF-style: chr13-32338551-G-T. GRCh37 (hg19) VCF-style: chr13-32912688-G-T.
Other names: c.4196G>T (NM_000059.3); short protein forms C1399F.
Identifiers: ClinVar variation 1437393 (VCV001437393.11), dbSNP rs764939265, ClinGen allele CA6940759.